The following is an entry in ClinVar:

ClinVar aggregate classification (germline): Likely pathogenic (1 of 4 stars; one submission).

Submission:

GeneDx
Classification: Likely pathogenic. Last evaluated: 2024-05-08. Review status: criteria provided, single submitter. Criteria: GeneDx Variant Classification Process June 2021. Collection method: clinical testing. Allele origin: germline. Affected: yes.
Comment: Not observed at significant frequency in large population cohorts (gnomAD); In silico analysis supports that this missense variant has a deleterious effect on protein structure/function; This variant is associated with the following publications: (PMID: 26671848)

NM_018486.3(HDAC8):c.839C>T (p.Thr280Ile)

Gene: HDAC8 (histone deacetylase 8; minus strand). Cytogenetic location: Xq13.1.
Variant type: single nucleotide variant.
Coding change: c.839C>T on transcript NM_018486.3 (MANE Select); coding-DNA position 839, C replaced by T.
Protein change: p.Thr280Ile; replaces threonine 280 with isoleucine.
Molecular consequence: missense variant. On other transcripts: non-coding transcript variant (1).
Genome position (GRCh38, 1-based): chrX:72,464,630, G>A on the plus strand (C>T on the coding strand, the complement: HDAC8 is on the minus strand). VCF-style: chrX-72464630-G-A. GRCh37 (hg19) VCF-style: chrX-71684480-G-A.
Other names: c.566C>T, p.Thr189Ile (NM_001166418.2, NM_001410728.1); c.839C>T, p.Thr280Ile (NM_001410725.1, NM_001410729.1); c.761C>T, p.Thr254Ile (NM_001410727.1); short protein forms T189I, T254I, T280I.
Identifiers: ClinVar variation 3378000 (VCV003378000.1).